The following is an entry in ClinVar:

NM_003410.4(ZFX):c.429C>A (p.Asp143Glu)

Gene: ZFX (zinc finger protein X-linked; plus strand). Cytogenetic location: Xp22.11.
Variant type: single nucleotide variant.
Coding change: c.429C>A on transcript NM_003410.4 (MANE Select); coding-DNA position 429, C replaced by A.
Protein change: p.Asp143Glu; replaces aspartic acid 143 with glutamic acid.
Molecular consequence: missense variant. On other transcripts: intron variant (1).
Genome position (GRCh38, 1-based): chrX:24,179,553, C>A. VCF-style: chrX-24179553-C-A. GRCh37 (hg19) VCF-style: chrX-24197670-C-A.
Other names: c.-41-27773C>A (NM_001178086.2); c.429C>A, p.Asp143Glu (NM_001178084.2, NM_001178085.1, NM_001178095.2); c.546C>A, p.Asp182Glu (NM_001330327.2); short protein forms D143E, D182E.
Identifiers: ClinVar variation 4087804 (VCV004087804.1).

ClinVar aggregate classification (germline): Uncertain significance (1 of 4 stars; one submission).

gnomAD v4.1: 1 of 1,210,550 alleles (0.000083%); highest among the groups gnomAD compares: African/African-American, 0.0017%; no homozygotes.

Submission:

GeneDx
Classification: Uncertain significance. Last evaluated: 2025-03-25. Review status: criteria provided, single submitter. Criteria: GeneDx Variant Classification Process June 2021. Collection method: clinical testing. Allele origin: germline. Affected: yes.
Comment: Not observed at significant frequency in large population cohorts (gnomAD); In silico analysis indicates that this missense variant does not alter protein structure/function; Has not been previously published as pathogenic or benign to our knowledge